The following is an entry in ClinVar:

ClinVar aggregate classification (germline): Likely benign (1 of 4 stars; one submission).

Conditions:
PIEZO1-related disorder. Also called: PIEZO1-related condition; PIEZO1-Related Disorders.

gnomAD v4.1: 14 of 1,548,356 alleles (0.0009%); highest among the groups gnomAD compares: African/African-American, 0.015%; no homozygotes.

Submission:

PreventionGenetics, part of Exact Sciences
Classification: Likely benign for PIEZO1-related condition. Last evaluated: 2025-07-21. Review status: criteria provided, single submitter. Criteria: ACMG Guidelines, 2015. Collection method: clinical testing. Allele origin: germline.
Comment: This variant is classified as likely benign based on ACMG/AMP sequence variant interpretation guidelines (Richards et al. 2015 PMID: 25741868, with internal and published modifications).

NM_001142864.4(PIEZO1):c.4524G>A (p.Leu1508=)

Gene: PIEZO1 (piezo type mechanosensitive ion channel component 1 (Er blood group); minus strand). Cytogenetic location: 16q24.3.
Variant type: single nucleotide variant.
Coding change: c.4524G>A on transcript NM_001142864.4 (MANE Select); coding-DNA position 4524, G replaced by A.
Protein change: p.Leu1508=; no amino-acid change (leucine 1508 retained).
Molecular consequence: synonymous variant.
Genome position (GRCh38, 1-based): chr16:88,722,981, C>T on the plus strand (G>A on the coding strand, the complement: PIEZO1 is on the minus strand). VCF-style: chr16-88722981-C-T. GRCh37 (hg19) VCF-style: chr16-88789389-C-T.
Identifiers: ClinVar variation 4981894 (VCV004981894.1).
Genomic context (GRCh38, chr16:88,722,981, plus strand): 5'-CCAGCGTGTCAGCTCATCCACTAGCGCCTGCCCCAGCATCCACAGGAACTGCGCCGTGCT[C>T]AGCACCCTCTGCACCACATGGCTCCGGCCTGCGGGAGGGCGGGAGGGGGCGCTGGAGGGG-3'
Protein context (NP_001136336.2, residues 1498-1518): AGRSHVVQRV[Leu1508=]STAQFLWMLG